The following is an entry in ClinVar:

ClinVar aggregate classification (germline): Uncertain significance (1 of 4 stars; one submission).

Conditions:
Hereditary spastic paraplegia 39 (SPG39). Also called: SPASTIC PARAPLEGIA 39, AUTOSOMAL RECESSIVE; Spastic Paraplegia Type 39 (SPG39). Identifiers: Orphanet 139480, MedGen C2677586, MONDO:0012787, OMIM 612020.

Allele frequency attached by ClinVar (database versions not stated): ExAC 0.00001; gnomAD exomes 0.00001 and 0.00002.
gnomAD v4.1: 29 of 1,609,726 alleles (0.0018%); highest among the groups gnomAD compares: South Asian, 0.0099%; 1 homozygote.

Submission:

Labcorp Genetics (formerly Invitae), Labcorp
Classification: Uncertain significance for Hereditary spastic paraplegia 39. Last evaluated: 2022-08-15. Review status: criteria provided, single submitter. Criteria: Invitae Variant Classification Sherloc (09022015). Collection method: clinical testing. Allele origin: germline.
Comment: In summary, the available evidence is currently insufficient to determine the role of this variant in disease. Therefore, it has been classified as a Variant of Uncertain Significance. Algorithms developed to predict the effect of missense changes on protein structure and function are either unavailable or do not agree on the potential impact of this missense change (SIFT: "Deleterious"; PolyPhen-2: "Benign"; Align-GVGD: "Class C0"). ClinVar contains an entry for this variant (Variation ID: 1054056). This variant has not been reported in the literature in individuals affected with PNPLA6-related conditions. This variant is present in population databases (rs745714280, gnomAD 0.01%). This sequence change replaces valine, which is neutral and non-polar, with methionine, which is neutral and non-polar, at codon 1197 of the PNPLA6 protein (p.Val1197Met).

NM_001166114.2(PNPLA6):c.3703G>A (p.Val1235Met)

Gene: PNPLA6 (patatin like domain 6, lysophospholipase; plus strand). Cytogenetic location: 19p13.2.
Variant type: single nucleotide variant.
Coding change: c.3703G>A on transcript NM_001166114.2 (MANE Select); coding-DNA position 3703, G replaced by A.
Protein change: p.Val1235Met; replaces valine 1235 with methionine.
Molecular consequence: missense variant.
Genome position (GRCh38, 1-based): chr19:7,560,651, G>A. VCF-style: chr19-7560651-G-A. GRCh37 (hg19) VCF-style: chr19-7625537-G-A.
Other names: c.3733G>A, p.Val1245Met (NM_001166111.2); c.3508G>A, p.Val1170Met (NM_001166112.2); c.3589G>A, p.Val1197Met (NM_001166113.1, NM_006702.5); short protein forms V1170M, V1197M, V1235M, V1245M.
Identifiers: ClinVar variation 1054056 (VCV001054056.7), dbSNP rs745714280, ClinGen allele CA9140557.